The following is an entry in ClinVar:

NM_138295.5(PKD1L1):c.6748C>T (p.Arg2250Ter)

Gene: PKD1L1 (polycystin 1 like 1, transient receptor potential channel interacting; minus strand). Cytogenetic location: 7p12.3.
Variant type: single nucleotide variant.
Coding change: c.6748C>T on transcript NM_138295.5 (MANE Select); coding-DNA position 6748, C replaced by T.
Protein change: p.Arg2250Ter; replaces arginine 2250 with a stop codon.
Molecular consequence: nonsense.
Genome position (GRCh38, 1-based): chr7:47,827,456, G>A on the plus strand (C>T on the coding strand, the complement: PKD1L1 is on the minus strand). VCF-style: chr7-47827456-G-A. GRCh37 (hg19) VCF-style: chr7-47867054-G-A.
Other names: short protein forms R2250*.
Identifiers: ClinVar variation 2920785 (VCV002920785.2), dbSNP rs200518403, ClinGen allele CA4252341.
Genomic context (GRCh38, chr7:47,827,456, plus strand): 5'-TGCCCCTCAGCTGGGCCTTGGATGGTGGATGCGCCCAGCGCAGGTGGCGAGCTTGTTGTC[G>A]GGCAGCCAAGACCTGTCAGGGACAAGAGTGCTGTGAGCTGCGGGCTGGTGGGTGGAAGGA-3'

ClinVar aggregate classification (germline): Likely pathogenic. Review status: criteria provided, multiple submitters, no conflicts (2 of 4 stars). 2 submissions from 2 submitters: Likely pathogenic (2). Last evaluated 2024-01-10.

Conditions:
Heterotaxy, visceral, 8, autosomal (HTX8). Identifiers: MedGen C4310668, MONDO:0014967, OMIM 617205.

Allele frequency attached by ClinVar (database versions not stated): TOPMed 0.00006; ExAC 0.00007; gnomAD exomes 0.00009.
gnomAD v4.1: 136 of 1,608,308 alleles (0.0085%); highest among the groups gnomAD compares: Non-Finnish European, 0.0098%; no homozygotes.

Submissions (2):

Fulgent Genetics
Classification: Likely pathogenic for Heterotaxy, visceral, 8, autosomal. Last evaluated: 2024-01-10. Review status: criteria provided, single submitter. Criteria: ACMG Guidelines, 2015. Collection method: clinical testing. Allele origin: germline.

ARUP Laboratories, Molecular Genetics and Genomics, ARUP Laboratories
Classification: Likely pathogenic for Heterotaxy, visceral, 8, autosomal. Last evaluated: 2023-09-26. Review status: criteria provided, single submitter. Criteria: ARUP Molecular Germline Variant Investigation Process 2024. Collection method: clinical testing. Allele origin: germline.
Comment: The PKD1L1 c.6748C>T; p.Arg2250Ter variant (rs200518403) is reported in the literature in individuals affected with cardiovascular disease trait or Tourette syndrome (Glicksberg 2019, Willsey 2017). However, this variant induces an early termination codon and is predicted to result in a truncated protein or mRNA subject to nonsense-mediated decay, and other downstream truncating variants have been described in individuals with situs inversus and are considered pathogenic (Antony 2022, Correa 2021, Rodriguez 2019). The p.Arg2250Ter variant is found in the general population with an overall allele frequency of 0.0073% (20/275408 alleles) in the Genome Aggregation Database. Based on available information, this variant is considered to be likely pathogenic. References: Antony D et al. Spectrum of Genetic Variants in a Cohort of 37 Laterality Defect Cases. Front Genet. 2022 Apr 13;13:861236. PMID: 35547246. Correa ARE et al. Hydrops fetalis in PKD1L1-related heterotaxy: Report of two foetuses and expanding the phenotypic and molecular spectrum. Ann Hum Genet. 2021 May;85(3-4):138-145. PMID: 33655537. Glicksberg BS et al. Integrative analysis of loss-of-function variants in clinical and genomic data reveals novel genes associated with cardiovascular traits. BMC Med Genomics. 2019 Jul 25;12(Suppl 6):108. PMID: 31345219. Rodriguez S et al. PKD1L1-related situs inversus associated with sideroblastic anemia. Clin Genet. 2019 May;95(5):629-630. PMID: 30791085. Willsey AJ et al. De Novo Coding Variants Are Strongly Associated with Tourette Disorder. Neuron. 2017 May 3;94(3):486-499.e9. PMID: 28472652.